The following is an entry in ClinVar:

ClinVar aggregate classification (germline): Uncertain significance (1 of 4 stars; one submission).

Conditions:
Inborn genetic diseases. Identifiers: MedGen C0950123, MeSH D030342.

gnomAD v4.1: 5 of 1,614,042 alleles (0.00031%); highest among the groups gnomAD compares: Non-Finnish European, 0.00042%; no homozygotes.

Submission:

Ambry Genetics
Classification: Uncertain significance for Inborn genetic diseases. Last evaluated: 2025-09-06. Review status: criteria provided, single submitter. Criteria: Ambry Variant Classification Scheme 2023. Collection method: clinical testing. Allele origin: germline.
Comment: The p.G677A variant (also known as c.2030G>C), located in coding exon 8 of the MECOM gene, results from a G to C substitution at nucleotide position 2030. The glycine at codon 677 is replaced by alanine, an amino acid with similar properties. This amino acid position is conserved. In addition, the in silico prediction for this alteration is inconclusive. Based on the available evidence, the clinical significance of this variant remains unclear.

NM_004991.4(MECOM):c.2030G>C (p.Gly677Ala)

Gene: MECOM (MDS1 and EVI1 complex locus; minus strand). Cytogenetic location: 3q26.2.
Variant type: single nucleotide variant.
Coding change: c.2030G>C on transcript NM_004991.4 (MANE Select); coding-DNA position 2030, G replaced by C.
Protein change: p.Gly677Ala; replaces glycine 677 with alanine.
Molecular consequence: missense variant. On other transcripts: intron variant (2).
Genome position (GRCh38, 1-based): chr3:169,115,842, C>G on the plus strand (G>C on the coding strand, the complement: MECOM is on the minus strand). VCF-style: chr3-169115842-C-G. GRCh37 (hg19) VCF-style: chr3-168833630-C-G.
Other names: c.1661G>C, p.Gly554Ala (NM_001105077.4); c.1466G>C, p.Gly489Ala (NM_001105078.4, NM_001164000.2, NM_001205194.2 and 4 more transcripts); c.1469G>C, p.Gly490Ala (NM_001163999.2, NM_001366467.2, NM_001366468.2 and 1 more transcripts); c.2030G>C, p.Gly677Ala (NM_001366466.2); c.1133-75G>C (NM_001366473.2); c.569-75G>C (NM_001366474.2); short protein forms G489A, G490A, G677A, G554A.
Identifiers: ClinVar variation 4105913 (VCV004105913.1).
Genomic context (GRCh38, chr3:169,115,842, plus strand): 5'-AGGGGAAACATGGAAGGGTAAGGTAAAGCTCCAACTTTTTTGTCTTGCAGCCCCACCAGT[C>G]CTGTTGAACCAAAGTATTTTTCAGCAATAGAAGCAATAGCCTTTATAGAATCATTCACAG-3'
Protein context (NP_004982.2, residues 667-687): SIAEKYFGST[Gly677Ala]LVGLQDKKVG